The following is an entry in ClinVar:

NM_004239.4(TRIP11):c.4481G>C (p.Arg1494Pro)

Gene: TRIP11 (thyroid hormone receptor interactor 11; minus strand). Cytogenetic location: 14q32.12.
Variant type: single nucleotide variant.
Coding change: c.4481G>C on transcript NM_004239.4 (MANE Select); coding-DNA position 4481, G replaced by C.
Protein change: p.Arg1494Pro; replaces arginine 1494 with proline.
Molecular consequence: missense variant.
Genome position (GRCh38, 1-based): chr14:92,003,495, C>G on the plus strand (G>C on the coding strand, the complement: TRIP11 is on the minus strand). VCF-style: chr14-92003495-C-G. GRCh37 (hg19) VCF-style: chr14-92469839-C-G.
Other names: c.4478G>C, p.Arg1493Pro (NM_001321851.1); short protein forms R1494P, R1493P.
Identifiers: ClinVar variation 1487981 (VCV001487981.6), dbSNP rs775469397, ClinGen allele CA390649075.
Genomic context (GRCh38, chr14:92,003,495, plus strand): 5'-AATAGCTGTTCAAAAGCAAGAGCCTTCTCCTTCATTGAGTGGCACTCAAACTCTTTTTCT[C>G]GCAGCATCATAGAAAACTTCATGTTAGTCTCTTGTAACGCTTGATATTCTGTTTCCTTTC-3'
Protein context (NP_004230.2, residues 1484-1504): ETNMKFSMML[Arg1494Pro]EKEFECHSMK

ClinVar aggregate classification (germline): Uncertain significance (1 of 4 stars; one submission).

Conditions:
Achondrogenesis, type IA (ACG1A). Identifiers: Orphanet 932, Orphanet 93299, MedGen C0265273, MONDO:0008701, OMIM 200600.

Submission:

Labcorp Genetics (formerly Invitae), Labcorp
Classification: Uncertain significance for Achondrogenesis, type IA. Last evaluated: 2022-10-17. Review status: criteria provided, single submitter. Criteria: Invitae Variant Classification Sherloc (09022015). Collection method: clinical testing. Allele origin: germline.
Comment: In summary, the available evidence is currently insufficient to determine the role of this variant in disease. Therefore, it has been classified as a Variant of Uncertain Significance. Advanced modeling of protein sequence and biophysical properties (such as structural, functional, and spatial information, amino acid conservation, physicochemical variation, residue mobility, and thermodynamic stability) performed at Invitae indicates that this missense variant is not expected to disrupt TRIP11 protein function. ClinVar contains an entry for this variant (Variation ID: 1487981). This variant has not been reported in the literature in individuals affected with TRIP11-related conditions. This variant is not present in population databases (gnomAD no frequency). This sequence change replaces arginine with proline at codon 1494 of the TRIP11 protein (p.Arg1494Pro). The arginine residue is moderately conserved and there is moderate physicochemical difference between arginine and proline.